The following is an entry in ClinVar:

ClinVar aggregate classification (germline): Uncertain significance (1 of 4 stars; one submission).

Conditions:
PLXNA4-related disorder. Also called: PLXNA4-related condition.

Submission:

PreventionGenetics, part of Exact Sciences
Classification: Uncertain significance for PLXNA4-related condition. Last evaluated: 2026-05-23. Review status: criteria provided, single submitter. Criteria: ACMG Guidelines, 2015. Collection method: clinical testing. Allele origin: germline.
Comment: The PLXNA4 c.5003G>A variant is predicted to result in the amino acid substitution p.Arg1668Gln. To our knowledge, this variant has not been reported in the literature or in a large population database (gnomAD), indicating this variant is rare. At this time, the clinical significance of this variant is uncertain due to the absence of conclusive functional and genetic evidence.

NM_020911.2(PLXNA4):c.5003G>A (p.Arg1668Gln)

Gene: PLXNA4 (plexin A4; minus strand). Cytogenetic location: 7q32.3.
Variant type: single nucleotide variant.
Coding change: c.5003G>A on transcript NM_020911.2 (MANE Select); coding-DNA position 5003, G replaced by A.
Protein change: p.Arg1668Gln; replaces arginine 1668 with glutamine.
Molecular consequence: missense variant.
Genome position (GRCh38, 1-based): chr7:132,146,562, C>T on the plus strand (G>A on the coding strand, the complement: PLXNA4 is on the minus strand). VCF-style: chr7-132146562-C-T. GRCh37 (hg19) VCF-style: chr7-131831321-C-T.
Other names: c.5003G>A, p.Arg1668Gln (NM_001393897.1); short protein forms R1668Q.
Identifiers: ClinVar variation 4988311 (VCV004988311.1).